The following is an entry in ClinVar:

NM_001349338.3(FOXP1):c.511-6_511del

Gene: FOXP1 (forkhead box P1; minus strand). Cytogenetic location: 3p13.
Variant type: Deletion.
Coding change: c.511-6_511del on transcript NM_001349338.3 (MANE Select); 6 bases into the intron before coding-DNA position 511 through coding-DNA position 511, 7 bases deleted (TTACAGC; older notation c.511-6_511delTTACAGC).
Molecular consequence: splice acceptor variant.
Genome position (GRCh38, 1-based): chr3:71,047,095-71,047,101, GCTGTAA deleted on the plus strand (TTACAGC on the coding strand, the reverse complement: FOXP1 is on the minus strand); deleting any 7 consecutive bases within chr3:71,047,095-71,047,102 gives the same sequence; the c. name uses the placement nearest the transcript's 3' end. VCF-style (leftmost placement, unchanged base first): chr3-71047094-TGCTGTAA-T. GRCh37 (hg19) VCF-style: chr3-71096245-TGCTGTAA-T.
Other names: c.511-6_511del (NM_001244810.2, NM_032682.6, NM_001349340.3 and 3 more transcripts); c.508-6_508del (NM_001349341.3); c.283-6_283del (NM_001244812.3); c.208-6_208del (NM_001349343.3, NM_001349337.2, NM_001349344.3); c.211-6_211del (NM_001349342.3, NM_001370548.1, NM_001244815.2 and 1 more transcripts).
Identifiers: ClinVar variation 3639245 (VCV003639245.2).

ClinVar aggregate classification (germline): Likely pathogenic (1 of 4 stars; one submission).

Submission:

Labcorp Genetics (formerly Invitae), Labcorp
Classification: Likely pathogenic. Last evaluated: 2024-02-06. Review status: criteria provided, single submitter. Criteria: Invitae Variant Classification Sherloc (09022015). Collection method: clinical testing. Allele origin: germline.
Comment: This variant results in the deletion of part of exon 10 (c.511-6_511del) of the FOXP1 gene. It is expected to disrupt RNA splicing. Variants that disrupt the donor or acceptor splice site typically lead to a loss of protein function (PMID: 16199547), and loss-of-function variants in FOXP1 are known to be pathogenic (PMID: 28735298). This variant is not present in population databases (gnomAD no frequency). This variant has not been reported in the literature in individuals affected with FOXP1-related conditions. Algorithms developed to predict the effect of sequence changes on RNA splicing suggest that this variant may disrupt the consensus splice site. In summary, the currently available evidence indicates that the variant is pathogenic, but additional data are needed to prove that conclusively. Therefore, this variant has been classified as Likely Pathogenic.

Literature cited by the submitters: PubMed 16199547; PubMed 28735298.